The following is an entry in ClinVar:

NM_003355.3(UCP2):c.503G>A (p.Arg168Gln)

Gene: UCP2 (uncoupling protein 2; minus strand). Cytogenetic location: 11q13.4.
Variant type: single nucleotide variant.
Coding change: c.503G>A on transcript NM_003355.3 (MANE Select); coding-DNA position 503, G replaced by A.
Protein change: p.Arg168Gln; replaces arginine 168 with glutamine.
Molecular consequence: missense variant. On other transcripts: intron variant (1).
Genome position (GRCh38, 1-based): chr11:73,976,852, C>T on the plus strand (G>A on the coding strand, the complement: UCP2 is on the minus strand). VCF-style: chr11-73976852-C-T. GRCh37 (hg19) VCF-style: chr11-73687897-C-T.
Other names: c.503G>A, p.Arg168Gln (NM_001381943.1, NM_001381944.1, NM_001381945.1 and 3 more transcripts); c.338-110G>A (NM_001381950.1); c.503G>A (NM_003355.2); short protein forms R168Q.
Identifiers: ClinVar variation 2908034 (VCV002908034.4), dbSNP rs139473333, ClinGen allele CA6181119.

ClinVar aggregate classification (germline): Uncertain significance. Review status: criteria provided, multiple submitters, no conflicts (2 of 4 stars). 2 submissions from 2 submitters: Uncertain significance (2). Last evaluated 2026-01-08.

Allele frequency attached by ClinVar (database versions not stated): gnomAD exomes 0.00002; gnomAD 0.00025; ExAC 0.00012; ESP Exome Variant Server 0.00039; 1000 Genomes Project 0.00040; 1000 Genomes Project 30x 0.00031; TOPMed 0.00035.

Submissions (2):

Labcorp Genetics (formerly Invitae), Labcorp
Classification: Uncertain significance. Last evaluated: 2026-01-08. Review status: criteria provided, single submitter. Criteria: Invitae Variant Classification Sherloc (09022015). Collection method: clinical testing. Allele origin: germline.
Comment: This sequence change replaces arginine, which is basic and polar, with glutamine, which is neutral and polar, at codon 168 of the UCP2 protein (p.Arg168Gln). This variant is present in population databases (rs139473333, gnomAD 0.1%), and has an allele count higher than expected for a pathogenic variant. This variant has not been reported in the literature in individuals affected with UCP2-related conditions. ClinVar contains an entry for this variant (Variation ID: 2908034). An algorithm developed to predict the effect of missense changes on protein structure and function outputs the following: PolyPhen-2: "Benign". The glutamine amino acid residue is found in multiple mammalian species, which suggests that this missense change does not adversely affect protein function. In summary, the available evidence is currently insufficient to determine the role of this variant in disease. Therefore, it has been classified as a Variant of Uncertain Significance.

Ambry Genetics
Classification: Uncertain significance. Last evaluated: 2023-10-05. Review status: criteria provided, single submitter. Criteria: Ambry Variant Classification Scheme 2023. Collection method: clinical testing. Allele origin: germline.